The following is an entry in ClinVar:

NM_001999.4(FBN2):c.6757+309A>T

Gene: FBN2 (fibrillin 2; minus strand). Cytogenetic location: 5q23.3.
Variant type: single nucleotide variant.
Coding change: c.6757+309A>T on transcript NM_001999.4 (MANE Select); 309 bases into the intron after coding-DNA position 6757, A replaced by T.
Molecular consequence: intron variant.
Genome position (GRCh38, 1-based): chr5:128,288,129, T>A on the plus strand (A>T on the coding strand, the complement: FBN2 is on the minus strand). VCF-style: chr5-128288129-T-A. GRCh37 (hg19) VCF-style: chr5-127623821-T-A.
Identifiers: ClinVar variation 669939 (VCV000669939.1), dbSNP rs6884264, ClinGen allele CA127031992.

ClinVar aggregate classification (germline): Benign (1 of 4 stars; one submission).

Allele frequency attached by ClinVar (database versions not stated): gnomAD 0.05941 and 0.06348; TOPMed 0.06600; 1000 Genomes Project 0.06789; 1000 Genomes Project 30x 0.07292.
gnomAD v4.1: 8,947 of 152,114 alleles (5.9%); highest among the groups gnomAD compares: African/African-American, 20%; 882 homozygotes.

Submission:

GeneDx
Classification: Benign. Last evaluated: 2018-06-14. Review status: criteria provided, single submitter. Criteria: GeneDx Variant Classification (06012015). Collection method: clinical testing. Allele origin: germline. Affected: yes.
Comment: This variant is considered likely benign or benign based on one or more of the following criteria: it is a conservative change, it occurs at a poorly conserved position in the protein, it is predicted to be benign by multiple in silico algorithms, and/or has population frequency not consistent with disease.